The following is an entry in ClinVar:

ClinVar aggregate classification (germline): Pathogenic/Likely pathogenic. Review status: criteria provided, multiple submitters, no conflicts (2 of 4 stars). 2 submissions from 2 submitters: Pathogenic (1); Likely pathogenic (1). Last evaluated 2023-02-01.

Conditions:
CSNK2B-related disorder. Also called: CSNK2B-related condition.

Submissions (2):

CeGaT Center for Human Genetics Tuebingen
Classification: Pathogenic. Last evaluated: 2023-02-01. Review status: criteria provided, single submitter. Criteria: CeGaT Center For Human Genetics Tuebingen Variant Classification Criteria Version 2. Collection method: clinical testing. Allele origin: germline. Affected: yes. Observed: 1 variant allele.
Comment: CSNK2B: PVS1, PM2, PS2:Moderate, PS4:Supporting

Blueprint Genetics
Classification: Likely pathogenic for CSNK2B-related disorders. Last evaluated: 2020-10-30. Review status: criteria provided, single submitter. Criteria: ACMG Guidelines, 2015. Collection method: clinical testing. Allele origin: germline. Affected: yes. Observed: 1 variant allele.

NM_001320.7(CSNK2B):c.13G>T (p.Glu5Ter)

Gene: CSNK2B (casein kinase 2 beta; plus strand). Cytogenetic location: 6p21.33.
Variant type: single nucleotide variant.
Coding change: c.13G>T on transcript NM_001320.7 (MANE Select); coding-DNA position 13, G replaced by T.
Protein change: p.Glu5Ter; replaces glutamic acid 5 with a stop codon.
Molecular consequence: nonsense.
Genome position (GRCh38, 1-based): chr6:31,666,844, G>T. VCF-style: chr6-31666844-G-T. GRCh37 (hg19) VCF-style: chr6-31634621-G-T.
Other names: c.13G>T, p.Glu5Ter (NM_001282385.2); short protein forms E5*.
Identifiers: ClinVar variation 2656412 (VCV002656412.25), dbSNP rs2536947549, ClinGen allele CA363469219.